The following is an entry in ClinVar:

NM_201384.3(PLEC):c.8167C>T (p.Pro2723Ser)

Gene: PLEC (plectin; minus strand). Cytogenetic location: 8q24.3.
Variant type: single nucleotide variant.
Coding change: c.8167C>T on transcript NM_201384.3 (MANE Select); coding-DNA position 8167, C replaced by T.
Protein change: p.Pro2723Ser; replaces proline 2723 with serine.
Molecular consequence: missense variant.
Genome position (GRCh38, 1-based): chr8:143,921,654, G>A on the plus strand (C>T on the coding strand, the complement: PLEC is on the minus strand). VCF-style: chr8-143921654-G-A. GRCh37 (hg19) VCF-style: chr8-144995822-G-A.
Other names: c.8248C>T, p.Pro2750Ser (NM_000445.5); c.4867C>T, p.Pro1623Ser (NM_001410941.1); c.8125C>T, p.Pro2709Ser (NM_201378.4); c.8101C>T, p.Pro2701Ser (NM_201379.3); c.8578C>T, p.Pro2860Ser (NM_201380.4); c.8071C>T, p.Pro2691Ser (NM_201381.3); c.8167C>T, p.Pro2723Ser (NM_201382.4); c.8179C>T, p.Pro2727Ser (NM_201383.3); short protein forms P1623S, P2691S, P2701S, P2709S, P2723S, P2727S, P2750S, P2860S.
Identifiers: ClinVar variation 3906790 (VCV003906790.2).
Genomic context (GRCh38, chr8:143,921,654, plus strand): 5'-CAGGGTCCAGCAGGAAGCCTGAGGCCGCCTGCGCCTCCAGCAGGATGAGGGCCGTGCCGG[G>A]ACTCAGCAGCTGCCTCTGCAGGGCGGCGTAAACACTCAGCTTCTCATTGGTGGCCTTCAG-3'
Protein context (NP_958786.1, residues 2713-2733): YAALQRQLLS[Pro2723Ser]GTALILLEAQ

ClinVar aggregate classification (germline): Uncertain significance (1 of 4 stars; one submission).

gnomAD v4.1: 1 of 1,613,056 alleles (0.000062%); highest among the groups gnomAD compares: African/African-American, 0.0013%; no homozygotes.

Submission:

GeneDx
Classification: Uncertain significance. Last evaluated: 2026-02-28. Review status: criteria provided, single submitter. Criteria: GeneDx Variant Classification Process June 2021. Collection method: clinical testing. Allele origin: germline.
Comment: Not observed at significant frequency in large population cohorts (gnomAD); In silico analysis supports that this missense variant has a deleterious effect on protein structure/function; Has not been previously published as pathogenic or benign to our knowledge; Missense variant in a gene in which most reported pathogenic variants are truncating/loss of function